The following is an entry in ClinVar:

ClinVar aggregate classification (germline): Benign. Review status: criteria provided, multiple submitters, no conflicts (2 of 4 stars). 4 submissions from 4 submitters: Benign (4). Last evaluated 2026-02-03.

Allele frequency attached by ClinVar (database versions not stated): ESP Exome Variant Server 0.03452; gnomAD 0.05270 and 0.05980; TOPMed 0.05509; gnomAD exomes 0.06317 and 0.09098; ExAC 0.08933; 1000 Genomes Project 30x 0.10400; 1000 Genomes Project 0.10942.
gnomAD v4.1: 101,418 of 1,611,598 alleles (6.3%); highest among the groups gnomAD compares: East Asian, 25%; 5,124 homozygotes.

Submissions (12):

Labcorp Genetics (formerly Invitae), Labcorp
Classification: Benign. Last evaluated: 2026-02-03. Review status: criteria provided, single submitter. Criteria: Invitae Variant Classification Sherloc (09022015). Collection method: clinical testing. Allele origin: germline.

GeneDx
Classification: Benign. Last evaluated: 2018-06-16. Review status: criteria provided, single submitter. Criteria: GeneDx Variant Classification (06012015). Collection method: clinical testing. Allele origin: germline. Affected: yes.
Comment: This variant is considered likely benign or benign based on one or more of the following criteria: it is a conservative change, it occurs at a poorly conserved position in the protein, it is predicted to be benign by multiple in silico algorithms, and/or has population frequency not consistent with disease.

Breakthrough Genomics
Classification: Benign. Review status: criteria provided, single submitter. Criteria: ACMG Guidelines, 2015. Collection method: not provided. Allele origin: germline. Inheritance: Autosomal dominant inheritance. Affected: yes.

PreventionGenetics, part of Exact Sciences
Classification: Benign. Review status: criteria provided, single submitter. Criteria: ACMG Guidelines, 2015. Collection method: clinical testing. Allele origin: germline.

Dr. Peter K. Rogan Lab, Western University
No classification provided (evidence only). Condition: Clear cell carcinoma of kidney. Review status: no classification provided. Collection method: in vitro. Allele origin: not applicable. Functional consequence: skipped exon. Not counted in ClinVar's aggregate classification.

Dr. Peter K. Rogan Lab, Western University
No classification provided (evidence only). Condition: Clear cell carcinoma of kidney. Review status: no classification provided. Collection method: in vitro. Allele origin: not applicable. Functional consequence: skipped exon. Not counted in ClinVar's aggregate classification.

Dr. Peter K. Rogan Lab, Western University
No classification provided (evidence only). Condition: Clear cell carcinoma of kidney. Review status: no classification provided. Collection method: in vitro. Allele origin: not applicable. Functional consequence: retained intron. Not counted in ClinVar's aggregate classification.

Dr. Peter K. Rogan Lab, Western University
No classification provided (evidence only). Condition: Clear cell carcinoma of kidney. Review status: no classification provided. Collection method: in vitro. Allele origin: not applicable. Functional consequence: retained intron. Not counted in ClinVar's aggregate classification.

Dr. Peter K. Rogan Lab, Western University
No classification provided (evidence only). Condition: Malignant lymphoma, large B-cell, diffuse. Review status: no classification provided. Collection method: in vitro. Allele origin: not applicable. Functional consequence: retained intron. Not counted in ClinVar's aggregate classification.

Dr. Peter K. Rogan Lab, Western University
No classification provided (evidence only). Condition: Thymoma. Review status: no classification provided. Collection method: in vitro. Allele origin: not applicable. Functional consequence: retained intron. Not counted in ClinVar's aggregate classification.

Dr. Peter K. Rogan Lab, Western University
No classification provided (evidence only). Condition: Ovarian serous cystadenocarcinoma. Review status: no classification provided. Collection method: in vitro. Allele origin: not applicable. Functional consequence: retained intron. Not counted in ClinVar's aggregate classification.

Dr. Peter K. Rogan Lab, Western University
No classification provided (evidence only). Condition: Ovarian serous cystadenocarcinoma. Review status: no classification provided. Collection method: in vitro. Allele origin: not applicable. Functional consequence: retained intron. Not counted in ClinVar's aggregate classification.

NM_178335.3(CCDC50):c.1137+19C>G

Gene: CCDC50 (coiled-coil domain containing 50; plus strand). Cytogenetic location: 3q28.
Variant type: single nucleotide variant.
Coding change: c.1137+19C>G on transcript NM_178335.3 (MANE Select); 19 bases into the intron after coding-DNA position 1137, C replaced by G.
Molecular consequence: intron variant.
Genome position (GRCh38, 1-based): chr3:191,380,750, C>G. VCF-style: chr3-191380750-C-G. GRCh37 (hg19) VCF-style: chr3-191098539-C-G.
Other names: c.609+19C>G (NM_174908.4).
Identifiers: ClinVar variation 262930 (VCV000262930.11), dbSNP rs1474188, ClinGen allele CA2755454.